The following is an entry in ClinVar:

NM_024675.4(PALB2):c.1793T>G (p.Leu598Arg)

Gene: PALB2 (partner and localizer of BRCA2; minus strand). Cytogenetic location: 16p12.2.
Variant type: single nucleotide variant.
Coding change: c.1793T>G on transcript NM_024675.4 (MANE Select); coding-DNA position 1793, T replaced by G.
Protein change: p.Leu598Arg; replaces leucine 598 with arginine.
Molecular consequence: missense variant. On other transcripts: intron variant (1).
Genome position (GRCh38, 1-based): chr16:23,630,361, A>C on the plus strand (T>G on the coding strand, the complement: PALB2 is on the minus strand). VCF-style: chr16-23630361-A-C. GRCh37 (hg19) VCF-style: chr16-23641682-A-C.
Other names: c.1733T>G, p.Leu578Arg (NM_001407296.1); c.1793T>G, p.Leu598Arg (NM_001407297.1, NM_001407298.1, NM_001407299.1 and 3 more transcripts); c.908T>G, p.Leu303Arg (NM_001407304.1, NM_001407305.1, NM_001407306.1 and 5 more transcripts); c.5T>G, p.Leu2Arg (NM_001407312.1, NM_001407313.1); c.49-1086T>G (NM_001407314.1); short protein forms L598R, L2R, L303R, L578R.
Identifiers: ClinVar variation 3666368 (VCV003666368.2).
Genomic context (GRCh38, chr16:23,630,361, plus strand): 5'-TCTTCATCAGGTAACTGAAAGTCTGTGATACTGAGAAAAGACAGTAGTTGCTTTAAACTC[A>C]GCATTCCATCCCTATGAAATGGAGCCGTGAAAGCATCATCATCCAAGGATAAATAAGCAC-3'
Protein context (NP_078951.2, residues 588-608): FTAPFHRDGM[Leu598Arg]SLKQLLSFLS

ClinVar aggregate classification (germline): Uncertain significance (1 of 4 stars; one submission).

Conditions:
Familial cancer of breast. Also called: hereditary breast carcinoma; Hereditary breast cancer; BREAST CANCER, FAMILIAL. Identifiers: Orphanet 227535, MedGen C0346153, MONDO:0016419, OMIM 114480. Disease mechanism: loss of function.

gnomAD v4.1: 1 of 1,614,154 alleles (0.000062%); highest among the groups gnomAD compares: South Asian, 0.0011%; no homozygotes.

Submission:

Labcorp Genetics (formerly Invitae), Labcorp
Classification: Uncertain significance for Familial cancer of breast. Last evaluated: 2024-09-29. Review status: criteria provided, single submitter. Criteria: Invitae Variant Classification Sherloc (09022015). Collection method: clinical testing. Allele origin: germline.
Comment: This sequence change replaces leucine, which is neutral and non-polar, with arginine, which is basic and polar, at codon 598 of the PALB2 protein (p.Leu598Arg). This variant is not present in population databases (gnomAD no frequency). This variant has not been reported in the literature in individuals affected with PALB2-related conditions. Invitae Evidence Modeling of protein sequence and biophysical properties (such as structural, functional, and spatial information, amino acid conservation, physicochemical variation, residue mobility, and thermodynamic stability) indicates that this missense variant is not expected to disrupt PALB2 protein function with a negative predictive value of 80%. In summary, the available evidence is currently insufficient to determine the role of this variant in disease. Therefore, it has been classified as a Variant of Uncertain Significance.